The following is an entry in ClinVar:

ClinVar aggregate classification (germline): Uncertain significance (1 of 4 stars; one submission).

Submission:

Labcorp Genetics (formerly Invitae), Labcorp
Classification: Uncertain significance. Last evaluated: 2021-11-22. Review status: criteria provided, single submitter. Criteria: Invitae Variant Classification Sherloc (09022015). Collection method: clinical testing. Allele origin: germline.
Comment: This sequence change replaces leucine, which is neutral and non-polar, with phenylalanine, which is neutral and non-polar, at codon 228 of the SERPINF1 protein (p.Leu228Phe). This variant is not present in population databases (gnomAD no frequency). This variant has not been reported in the literature in individuals affected with SERPINF1-related conditions. Algorithms developed to predict the effect of missense changes on protein structure and function are either unavailable or do not agree on the potential impact of this missense change (SIFT: "Not Available"; PolyPhen-2: "Probably Damaging"; Align-GVGD: "Not Available"). In summary, the available evidence is currently insufficient to determine the role of this variant in disease. Therefore, it has been classified as a Variant of Uncertain Significance.

NM_002615.7(SERPINF1):c.682C>T (p.Leu228Phe)

Gene: SERPINF1 (serpin family F member 1; plus strand). Cytogenetic location: 17p13.3.
Variant type: single nucleotide variant.
Coding change: c.682C>T on transcript NM_002615.7 (MANE Select); coding-DNA position 682, C replaced by T.
Protein change: p.Leu228Phe; replaces leucine 228 with phenylalanine.
Molecular consequence: missense variant.
Genome position (GRCh38, 1-based): chr17:1,775,096, C>T. VCF-style: chr17-1775096-C-T. GRCh37 (hg19) VCF-style: chr17-1678390-C-T.
Other names: c.682C>T, p.Leu228Phe (NM_001329903.2); c.121C>T, p.Leu41Phe (NM_001329904.2, NM_001329905.2); short protein forms L228F, L41F.
Identifiers: ClinVar variation 1352795 (VCV001352795.6), dbSNP rs2151211613, ClinGen allele CA397588790.